The following is an entry in ClinVar:

NM_139319.3(SLC17A8):c.*1090A>T

Gene: SLC17A8 (solute carrier family 17 member 8; plus strand). Cytogenetic location: 12q23.1.
Variant type: single nucleotide variant.
Coding change: c.*1090A>T on transcript NM_139319.3 (MANE Select); 1090 bases downstream of the stop codon, A replaced by T.
Molecular consequence: 3 prime UTR variant.
Genome position (GRCh38, 1-based): chr12:100,421,249, A>T. VCF-style: chr12-100421249-A-T. GRCh37 (hg19) VCF-style: chr12-100815027-A-T.
Other names: c.*1090A>T (NM_001145288.2).
Identifiers: ClinVar variation 882101 (VCV000882101.4), dbSNP rs540751555, ClinGen allele CA242351369.

ClinVar aggregate classification (germline): Likely benign (1 of 4 stars; one submission).

Conditions:
Autosomal dominant nonsyndromic hearing loss 25. Identifiers: Orphanet 90635, MedGen C1854158, MONDO:0011568, OMIM 605583.

Allele frequency attached by ClinVar (database versions not stated): 1000 Genomes Project 0.00120; 1000 Genomes Project 30x 0.00125; TOPMed 0.00261; gnomAD 0.00281 and 0.00289.

Submission:

Illumina Laboratory Services, Illumina
Classification: Likely benign for Autosomal dominant nonsyndromic hearing loss 25. Last evaluated: 2018-01-12. Review status: criteria provided, single submitter. Criteria: ICSL Variant Classification Criteria 13 December 2019. Collection method: clinical testing. Allele origin: germline.
Comment: This variant was observed in the ICSL laboratory as part of a predisposition screen in an ostensibly healthy population. It had not been previously curated by ICSL or reported in the Human Gene Mutation Database (HGMD: prior to June 1st, 2018), and was therefore a candidate for classification through an automated scoring system. Utilizing variant allele frequency, disease prevalence and penetrance estimates, and inheritance mode, an automated score was calculated to assess if this variant is too frequent to cause the disease. Based on the score and internal cut-off values, a variant classified as likely benign is not then subjected to further curation. The score for this variant resulted in a classification of likely benign for this disease.